The following is an entry in ClinVar:

ClinVar aggregate classification (germline): Uncertain significance. Review status: criteria provided, multiple submitters, no conflicts (2 of 4 stars). 2 submissions from 2 submitters: Uncertain significance (2). Last evaluated 2025-12-26.

Allele frequency attached by ClinVar (database versions not stated): ExAC 0.00011; ESP Exome Variant Server 0.00017.
gnomAD v4.1: 210 of 1,608,454 alleles (0.013%); highest among the groups gnomAD compares: South Asian, 0.024%; 1 homozygote.

Submissions (2):

Labcorp Genetics (formerly Invitae), Labcorp
Classification: Uncertain significance. Last evaluated: 2025-12-26. Review status: criteria provided, single submitter. Criteria: Invitae Variant Classification Sherloc (09022015). Collection method: clinical testing. Allele origin: germline.
Comment: This sequence change replaces arginine, which is basic and polar, with glutamine, which is neutral and polar, at codon 275 of the LIPN protein (p.Arg275Gln). This variant is present in population databases (rs372693385, gnomAD 0.02%). This variant has not been reported in the literature in individuals affected with LIPN-related conditions. ClinVar contains an entry for this variant (Variation ID: 2373005). An algorithm developed to predict the effect of missense changes on protein structure and function (PolyPhen-2) suggests that this variant is likely to be disruptive. Algorithms developed to predict the effect of sequence changes on RNA splicing suggest that this variant may disrupt the consensus splice site. In summary, the available evidence is currently insufficient to determine the role of this variant in disease. Therefore, it has been classified as a Variant of Uncertain Significance.

Ambry Genetics
Classification: Uncertain significance. Last evaluated: 2024-09-02. Review status: criteria provided, single submitter. Criteria: Ambry Variant Classification Scheme 2023. Collection method: clinical testing. Allele origin: germline.

NM_001102469.2(LIPN):c.824G>A (p.Arg275Gln)

Gene: LIPN (lipase family member N; plus strand). Cytogenetic location: 10q23.31.
Variant type: single nucleotide variant.
Coding change: c.824G>A on transcript NM_001102469.2 (MANE Select); coding-DNA position 824, G replaced by A.
Protein change: p.Arg275Gln; replaces arginine 275 with glutamine.
Molecular consequence: missense variant.
Genome position (GRCh38, 1-based): chr10:88,774,477, G>A. VCF-style: chr10-88774477-G-A. GRCh37 (hg19) VCF-style: chr10-90534234-G-A.
Other names: short protein forms R275Q.
Identifiers: ClinVar variation 2373005 (VCV002373005.4), dbSNP rs372693385, ClinGen allele CA5591995.